The following is an entry in ClinVar:

NM_001384732.1(CPLANE1):c.1645A>G (p.Met549Val)

Gene: CPLANE1 (ciliogenesis and planar polarity effector complex subunit 1; minus strand). Cytogenetic location: 5p13.2.
Variant type: single nucleotide variant.
Coding change: c.1645A>G on transcript NM_001384732.1 (MANE Select); coding-DNA position 1645, A replaced by G.
Protein change: p.Met549Val; replaces methionine 549 with valine.
Molecular consequence: missense variant.
Genome position (GRCh38, 1-based): chr5:37,226,950, T>C on the plus strand (A>G on the coding strand, the complement: CPLANE1 is on the minus strand). VCF-style: chr5-37226950-T-C. GRCh37 (hg19) VCF-style: chr5-37227052-T-C.
Other names: c.1645A>G, p.Met549Val (NM_023073.4); short protein forms M549V.
Identifiers: ClinVar variation 1422125 (VCV001422125.6), dbSNP rs563502625, ClinGen allele CA3239082.
Genomic context (GRCh38, chr5:37,226,950, plus strand): 5'-GTTCTGTAATGGTTCTATCTGTCTCCTCACTATCATCCTTTGCATGTATCGTATCAAACA[T>C]AGATGCAAATTCCAATCTTCCTTCCTTCATACTACTACACAGCACATCATCTCTTTTGTT-3'
Protein context (NP_001371661.1, residues 539-559): MKEGRLEFAS[Met549Val]FDTIHAKDDS

ClinVar aggregate classification (germline): Uncertain significance. Review status: criteria provided, multiple submitters, no conflicts (2 of 4 stars). 4 submissions from 4 submitters: Uncertain significance (4). Last evaluated 2024-11-12.

Conditions:
Joubert syndrome 17 (JBTS17). Identifiers: Orphanet 475, MedGen C3553264, MONDO:0013824, OMIM 614615.
Orofaciodigital syndrome type 6 (OFD6). Also called: OROFACIODIGITAL SYNDROME VI; OFDS VI; POLYDACTYLY, CLEFT LIP/PALATE OR LINGUAL LUMP, AND PSYCHOMOTOR RETARDATION; VARADI SYNDROME; VARADI-PAPP SYNDROME; Oral-facial-digital syndrome type 6. Identifiers: Orphanet 2754, MedGen C2745997, MONDO:0010176, OMIM 277170.
Inborn genetic diseases. Identifiers: MedGen C0950123, MeSH D030342.

Allele frequency attached by ClinVar (database versions not stated): gnomAD exomes 0.00003 and 0.00007; ExAC 0.00005; TOPMed 0.00005; gnomAD 0.00009 and 0.00011.
gnomAD v4.1: 105 of 1,551,870 alleles (0.0068%); highest among the groups gnomAD compares: Non-Finnish European, 0.0085%; no homozygotes.

Submissions (4):

Blueprint Genetics
Classification: Uncertain significance. Last evaluated: 2024-11-12. Review status: criteria provided, single submitter. Criteria: ACMG Guidelines, 2015. Collection method: clinical testing. Allele origin: germline.

Labcorp Genetics (formerly Invitae), Labcorp
Classification: Uncertain significance. Last evaluated: 2022-10-13. Review status: criteria provided, single submitter. Criteria: Invitae Variant Classification Sherloc (09022015). Collection method: clinical testing. Allele origin: germline.
Comment: This sequence change replaces methionine, which is neutral and non-polar, with valine, which is neutral and non-polar, at codon 549 of the CPLANE1 protein (p.Met549Val). This variant is present in population databases (rs563502625, gnomAD 0.01%). This variant has not been reported in the literature in individuals affected with CPLANE1-related conditions. ClinVar contains an entry for this variant (Variation ID: 1422125). Advanced modeling of protein sequence and biophysical properties (such as structural, functional, and spatial information, amino acid conservation, physicochemical variation, residue mobility, and thermodynamic stability) has been performed at Invitae for this missense variant, however the output from this modeling did not meet the statistical confidence thresholds required to predict the impact of this variant on CPLANE1 protein function. In summary, the available evidence is currently insufficient to determine the role of this variant in disease. Therefore, it has been classified as a Variant of Uncertain Significance.

Fulgent Genetics
Classification: Uncertain significance for Orofaciodigital syndrome type 6; Joubert syndrome 17. Last evaluated: 2021-12-08. Review status: criteria provided, single submitter. Criteria: ACMG Guidelines, 2015. Collection method: clinical testing. Allele origin: unknown.

Ambry Genetics
Classification: Uncertain significance for Inborn genetic diseases. Last evaluated: 2021-08-02. Review status: criteria provided, single submitter. Criteria: Ambry Variant Classification Scheme 2023. Collection method: clinical testing. Allele origin: germline.